The following is an entry in ClinVar:

ClinVar aggregate classification (germline): Uncertain significance. Review status: criteria provided, multiple submitters, no conflicts (2 of 4 stars). 3 submissions from 2 submitters: Uncertain significance (3). Last evaluated 2025-05-22.

Conditions:
Inflammatory bowel disease 1 (IBD1). Also called: INFLAMMATORY BOWEL DISEASE (CROHN DISEASE) 1; Inflammatory bowel disease 1, Crohn disease. Identifiers: MedGen CN260071, MONDO:0009960, OMIM 266600.
Regional enteritis. Also called: Enteritis, Granulomatous. Identifiers: MedGen C0678202, MeSH D003424.
Blau syndrome (BLAUS). Also called: ARTHROCUTANEOUVEAL GRANULOMATOSIS; GRANULOMATOSIS, FAMILIAL JUVENILE SYSTEMIC; GRANULOMATOSIS, FAMILIAL, BLAU TYPE; GRANULOMATOUS INFLAMMATORY ARTHRITIS, DERMATITIS, AND UVEITIS, FAMILIAL; JABS SYNDROME. Identifiers: Orphanet 90340, MedGen C5201146, MONDO:0008523, OMIM 186580.

Allele frequency attached by ClinVar (database versions not stated): gnomAD exomes below 0.00001 and 0.00001; TOPMed below 0.00001; gnomAD 0.00001.

Submissions (3):

Labcorp Genetics (formerly Invitae), Labcorp
Classification: Uncertain significance for Regional enteritis; Blau syndrome. Last evaluated: 2025-05-22. Review status: criteria provided, single submitter. Criteria: Invitae Variant Classification Sherloc (09022015). Collection method: clinical testing. Allele origin: germline.
Comment: This sequence change replaces leucine, which is neutral and non-polar, with phenylalanine, which is neutral and non-polar, at codon 172 of the NOD2 protein (p.Leu172Phe). This variant is present in population databases (no rsID available, gnomAD 0.004%). This variant has not been reported in the literature in individuals affected with NOD2-related conditions. ClinVar contains an entry for this variant (Variation ID: 887101). Invitae Evidence Modeling of protein sequence and biophysical properties (such as structural, functional, and spatial information, amino acid conservation, physicochemical variation, residue mobility, and thermodynamic stability) has been performed for this missense variant. However, the output from this modeling did not meet the statistical confidence thresholds required to predict the impact of this variant on NOD2 protein function. In summary, the available evidence is currently insufficient to determine the role of this variant in disease. Therefore, it has been classified as a Variant of Uncertain Significance.

Illumina Laboratory Services, Illumina
Classification: Uncertain significance for Inflammatory bowel disease 1. Last evaluated: 2018-01-12. Review status: criteria provided, single submitter. Criteria: ICSL Variant Classification Criteria 13 December 2019. Collection method: clinical testing. Allele origin: germline.

Illumina Laboratory Services, Illumina
Classification: Uncertain significance for Blau syndrome. Last evaluated: 2018-01-12. Review status: criteria provided, single submitter. Criteria: ICSL Variant Classification Criteria 13 December 2019. Collection method: clinical testing. Allele origin: germline.

NM_001370466.1(NOD2):c.435G>C (p.Leu145Phe)

Gene: NOD2 (nucleotide binding oligomerization domain containing 2; plus strand). Cytogenetic location: 16q12.1.
Variant type: single nucleotide variant.
Coding change: c.435G>C on transcript NM_001370466.1 (MANE Select); coding-DNA position 435, G replaced by C.
Protein change: p.Leu145Phe; replaces leucine 145 with phenylalanine.
Molecular consequence: missense variant. On other transcripts: non-coding transcript variant (1).
Genome position (GRCh38, 1-based): chr16:50,699,930, G>C. VCF-style: chr16-50699930-G-C. GRCh37 (hg19) VCF-style: chr16-50733841-G-C.
Other names: c.435G>C, p.Leu145Phe (NM_001293557.2); c.516G>C, p.Leu172Phe (NM_022162.3); short protein forms L145F, L172F.
Identifiers: ClinVar variation 887101 (VCV000887101.11), dbSNP rs1292846110, ClinGen allele CA395866970.